The following is an entry in ClinVar:

ClinVar aggregate classification (germline): Conflicting classifications of pathogenicity. Review status: criteria provided, conflicting classifications (1 of 4 stars). 8 submissions from 8 submitters: Pathogenic (2); Likely pathogenic (2); Uncertain significance (3). 1 of the submissions does not count toward it. Last evaluated 2026-06-18.

Conditions:
Hematuria, benign familial, 2 (BFH2). Identifiers: MedGen C5830421, MONDO:0958186, OMIM 620320.
Alport syndrome 3b, autosomal recessive. Identifiers: MedGen C5882699, MONDO:0957811, OMIM 620536.
Autosomal dominant Alport syndrome (ATS3A). Also called: ALPORT SYNDROME 3A, AUTOSOMAL DOMINANT; Alport syndrome dominant type; Renal failure and sensorineural hearing loss. Identifiers: Orphanet 63, Orphanet 88918, MedGen C5882663, MONDO:0007086, OMIM 104200.
Alport syndrome. Also called: Hemorrhagic familial nephritis; Hemorrhagic hereditary nephritis; Congenital hereditary hematuria. Identifiers: Orphanet 63, MedGen C1567741, MONDO:0018965.
COL4A3-related disorder. Also called: COL4A3-related condition; COL4A3-Related Disorders.
Autosomal recessive Alport syndrome (ATS2). Also called: COL4A3-Related Nephropathy; ALPORT SYNDROME 2, AUTOSOMAL RECESSIVE; Alport syndrome type 2; COL4A4 Alport Syndrome and Thin Basement Membrane Nephropathy. Identifiers: Orphanet 63, Orphanet 88919, MedGen C4746745, MONDO:0008762, OMIM 203780.

Allele frequency attached by ClinVar (database versions not stated): TOPMed below 0.00001; ExAC 0.00001; gnomAD 0.00001; gnomAD exomes 0.00001.
gnomAD v4.1: 14 of 1,613,180 alleles (0.00087%); highest among the groups gnomAD compares: African/African-American, 0.0027%; no homozygotes.

Submissions (8):

PreventionGenetics, part of Exact Sciences
Classification: Pathogenic for COL4A3-related condition. Last evaluated: 2026-06-18. Review status: criteria provided, single submitter. Criteria: ACMG Guidelines, 2015. Collection method: clinical testing. Allele origin: germline.
Comment: The COL4A3 c.1927G>A variant is predicted to result in the amino acid substitution p.Gly643Ser. This variant occurs at the conserved triple helical domain (residues 43-1438) of the COL4A3 protein, where substitutions of the glycine (Gly) residue are usually pathogenic (Hudson et al. 1993. PubMed ID: 8253711). Of note, this nucleotide change is located at the last base of exon 26 and is predicted to significantly weaken the nearby normal splice donor site signal based on available splicing prediction programs (Alamut Visual Plus v13.1; SpliceAI, Jaganathan et al. 2019. PubMed ID: 30661751). This variant was reported with a second causative COL4A3 missense variant (the phase was not clearly stated) in an individual with presumably autosomal recessive Alport syndrome (Table S7, Groopman et al. 2019. PubMed ID: 30586318) and was reported in the compound heterozygous state with a pathogenic COL4A3 nonsense variant in another patient with autosomal recessive Alport syndrome (Zhang et al. 2021. PubMed ID: 33772369). In addition, at other glycine (Gly) residues within this domain, substitutions of a glycine (Gly) with a serine (Ser) have been widely reported to be pathogenic for autosomal recessive or dominant COL4A3-related Alport syndrome spectrum disorders (see for example, p.Gly195Ser and p.Gly692Ser in Table S1 of Furlano et al. 2021. PubMed ID: 33838161, autosomal dominant; p.Gly407Ser, Weber et al. 2016. PubMed ID: 26809805, autosomal recessive). The c.1927G>A (p.Gly643Ser) variant is reported in 0.0033% of alleles in individuals of South Asian descent in gnomAD. This variant is interpreted as pathogenic for both autosomal dominant and recessive COL4A3-related Alport syndrome spectrum disorders.

Natera, Inc.
Classification: Likely pathogenic for Alport syndrome. Last evaluated: 2025-09-17. Review status: criteria provided, single submitter. Criteria: Natera Variant Classification Schema (03/2026). Collection method: clinical testing. Allele origin: germline.
Comment: The c.1927G>A variant in COL4A3 is a missense variant predicted to cause substitution of glycine to serine at amino acid 643. This variant is rare in the general population with a frequency below the threshold expected for the associated phenotype(s). This variant has been observed in one or more individuals affected with the associated recessive disease, as either homozygous or compound heterozygous with a second variant (PMID: 33772369, 30586318). This variant is located in a functionally critical region of the protein. Computational prediction algorithms indicate this variant is likely to affect gene or protein function. Given the available evidence, this variant is classified as Likely Pathogenic.

Fulgent Genetics
Classification: Pathogenic for Autosomal dominant Alport syndrome; Hematuria, benign familial, 2; Alport syndrome 3b, autosomal recessive. Last evaluated: 2024-02-17. Review status: criteria provided, single submitter. Criteria: ACMG Guidelines, 2015. Collection method: clinical testing. Allele origin: germline.

3billion
Classification: Uncertain significance for Autosomal recessive Alport syndrome. Last evaluated: 2023-06-05. Review status: criteria provided, single submitter. Criteria: ACMG Guidelines, 2015. Collection method: clinical testing. Allele origin: germline. Affected: yes.
Comment: The variant is observed at an extremely low frequency in the gnomAD v2.1.1 dataset (total allele frequency: <0.001%). Predicted Consequence/Location: Missense variant In silico tool predictions suggest damaging effect of the variant on gene or gene product (REVEL: 0.68; 3Cnet: 0.95). Same nucleotide change resulting in same amino acid change has been previously reported to be associated with COL4A3 related disorder (ClinVar ID: VCV000334764 /PMID: 30586318). However, the evidence of pathogenicity is insufficient at this time. Therefore, this variant is classified as VUS according to the recommendation of ACMG/AMP guideline.

Labcorp Genetics (formerly Invitae), Labcorp
Classification: Uncertain significance. Last evaluated: 2022-04-06. Review status: criteria provided, single submitter. Criteria: Invitae Variant Classification Sherloc (09022015). Collection method: clinical testing. Allele origin: germline.
Comment: This sequence change replaces glycine, which is neutral and non-polar, with serine, which is neutral and polar, at codon 643 of the COL4A3 protein (p.Gly643Ser). This variant is present in population databases (rs778034451, gnomAD 0.003%). This variant has not been reported in the literature in individuals affected with COL4A3-related conditions. ClinVar contains an entry for this variant (Variation ID: 334764). Algorithms developed to predict the effect of missense changes on protein structure and function are either unavailable or do not agree on the potential impact of this missense change (SIFT: "Tolerated"; PolyPhen-2: "Not Available"; Align-GVGD: "Class C0"). Algorithms developed to predict the effect of sequence changes on RNA splicing suggest that this variant may disrupt the consensus splice site. In summary, the available evidence is currently insufficient to determine the role of this variant in disease. Therefore, it has been classified as a Variant of Uncertain Significance.

Molecular Diagnostics Laboratory, M Health Fairview: University of Minnesota
Classification: Likely pathogenic for Autosomal recessive Alport syndrome. Last evaluated: 2018-01-23. Review status: criteria provided, single submitter. Criteria: ACMG Guidelines, 2015. Collection method: clinical testing. Allele origin: germline. Affected: yes. Observed: 1 variant allele.

Illumina Laboratory Services, Illumina
Classification: Uncertain significance for Alport syndrome. Last evaluated: 2018-01-13. Review status: criteria provided, single submitter. Criteria: ICSL Variant Classification Criteria 13 December 2019. Collection method: clinical testing. Allele origin: germline.

Gharavi Laboratory, Columbia University
Classification: Likely pathogenic. Last evaluated: 2018-09-16. Review status: no assertion criteria provided. Criteria: ACMG Guidelines, 2015. Collection method: research. Allele origin: germline. Affected: yes. Not counted in ClinVar's aggregate classification.

Literature cited by the submitters: PubMed 33772369 (cited by Natera, Inc.); PubMed 30586318 (cited by Natera, Inc. and 3billion); PubMed 27627812 (cited by Molecular Diagnostics Laboratory, M Health Fairview: University of Minnesota); PubMed 24052634 (cited by Molecular Diagnostics Laboratory, M Health Fairview: University of Minnesota).

NM_000091.5(COL4A3):c.1927G>A (p.Gly643Ser)

Genes: COL4A3 (collagen type IV alpha 3 chain; plus strand), MFF-DT (MFF divergent transcript; minus strand). Cytogenetic location: 2q36.3.
Variant type: single nucleotide variant.
Coding change: c.1927G>A on transcript NM_000091.5 (MANE Select); coding-DNA position 1927, G replaced by A.
Protein change: p.Gly643Ser; replaces glycine 643 with serine.
Molecular consequence: missense variant.
Genome position (GRCh38, 1-based): chr2:227,273,117, G>A. VCF-style: chr2-227273117-G-A. GRCh37 (hg19) VCF-style: chr2-228137833-G-A.
Other names: short protein forms G643S.
Identifiers: ClinVar variation 334764 (VCV000334764.10), dbSNP rs778034451, ClinGen allele CA2146789.